The following is an entry in ClinVar:

ClinVar aggregate classification (germline): Conflicting classifications of pathogenicity. Review status: criteria provided, conflicting classifications (1 of 4 stars). 3 submissions from 3 submitters: Uncertain significance (1); Likely benign (2). Last evaluated 2025-07-18.

Conditions:
Norman-Roberts syndrome (LIS2). Also called: Lissencephaly 2 (Norman-Roberts type). Identifiers: Orphanet 89844, MedGen C0796089, MONDO:0009760, OMIM 257320.
Familial temporal lobe epilepsy 7. Identifiers: Orphanet 101046, MedGen C4225327, MONDO:0014639, OMIM 616436.

Allele frequency attached by ClinVar (database versions not stated): gnomAD exomes 0.00008 and 0.00016; gnomAD 0.00013 and 0.00014; TOPMed 0.00014; ExAC 0.00020; 1000 Genomes Project 30x 0.00031; 1000 Genomes Project 0.00040.
gnomAD v4.1: 143 of 1,613,692 alleles (0.0089%); highest among the groups gnomAD compares: East Asian, 0.11%; no homozygotes.

Submissions (3):

Labcorp Genetics (formerly Invitae), Labcorp
Classification: Likely benign for Familial temporal lobe epilepsy 7; Norman-Roberts syndrome. Last evaluated: 2025-07-18. Review status: criteria provided, single submitter. Criteria: Invitae Variant Classification Sherloc (09022015). Collection method: clinical testing. Allele origin: germline.

Illumina Laboratory Services, Illumina
Classification: Uncertain significance for Norman-Roberts syndrome. Last evaluated: 2018-01-12. Review status: criteria provided, single submitter. Criteria: ICSL Variant Classification Criteria 13 December 2019. Collection method: clinical testing. Allele origin: germline.

GeneDx
Classification: Likely benign. Last evaluated: 2018-01-02. Review status: criteria provided, single submitter. Criteria: GeneDx Variant Classification (06012015). Collection method: clinical testing. Allele origin: germline. Affected: yes.
Comment: This variant is considered likely benign or benign based on one or more of the following criteria: it is a conservative change, it occurs at a poorly conserved position in the protein, it is predicted to be benign by multiple in silico algorithms, and/or has population frequency not consistent with disease.

NM_005045.4(RELN):c.3009-10G>A

Gene: RELN (reelin; minus strand). Cytogenetic location: 7q22.1.
Variant type: single nucleotide variant.
Coding change: c.3009-10G>A on transcript NM_005045.4 (MANE Select); 10 bases into the intron before coding-DNA position 3009, G replaced by A.
Molecular consequence: intron variant.
Genome position (GRCh38, 1-based): chr7:103,604,493, C>T on the plus strand (G>A on the coding strand, the complement: RELN is on the minus strand). VCF-style: chr7-103604493-C-T. GRCh37 (hg19) VCF-style: chr7-103244940-C-T.
Other names: c.3009-10G>A (NM_173054.3).
Identifiers: ClinVar variation 358410 (VCV000358410.15), dbSNP rs140358876, ClinGen allele CA4421871.